The following is an entry in ClinVar:

ClinVar aggregate classification (germline): Uncertain significance. Review status: criteria provided, multiple submitters, no conflicts (2 of 4 stars). 2 submissions from 2 submitters: Uncertain significance (2). Last evaluated 2024-12-04.

Conditions:
Inborn genetic diseases. Identifiers: MedGen C0950123, MeSH D030342.
Neuronal ceroid lipofuscinosis. Also called: Neuronal Ceroid Lipofuscinoses. Identifiers: Orphanet 216, Orphanet 79263, MedGen C0027877, MONDO:0016295. Disease mechanism: loss of function.

Allele frequency attached by ClinVar (database versions not stated): gnomAD exomes below 0.00001 and 0.00001; gnomAD 0.00001; TOPMed 0.00001.

Submissions (2):

Ambry Genetics
Classification: Uncertain significance for Inborn genetic diseases. Last evaluated: 2024-12-04. Review status: criteria provided, single submitter. Criteria: Ambry Variant Classification Scheme 2023. Collection method: clinical testing. Allele origin: germline.

Labcorp Genetics (formerly Invitae), Labcorp
Classification: Uncertain significance for Neuronal ceroid lipofuscinosis. Last evaluated: 2021-11-20. Review status: criteria provided, single submitter. Criteria: Invitae Variant Classification Sherloc (09022015). Collection method: clinical testing. Allele origin: germline.
Comment: This sequence change replaces alanine, which is neutral and non-polar, with valine, which is neutral and non-polar, at codon 19 of the CLN8 protein (p.Ala19Val). This variant is present in population databases (no rsID available, gnomAD 0.007%). This variant has not been reported in the literature in individuals affected with CLN8-related conditions. Advanced modeling of protein sequence and biophysical properties (such as structural, functional, and spatial information, amino acid conservation, physicochemical variation, residue mobility, and thermodynamic stability) performed at Invitae indicates that this missense variant is not expected to disrupt CLN8 protein function. In summary, the available evidence is currently insufficient to determine the role of this variant in disease. Therefore, it has been classified as a Variant of Uncertain Significance.

NM_018941.4(CLN8):c.56C>T (p.Ala19Val)

Gene: CLN8 (CLN8 transmembrane ER and ERGIC protein; plus strand). Cytogenetic location: 8p23.3.
Variant type: single nucleotide variant.
Coding change: c.56C>T on transcript NM_018941.4 (MANE Select); coding-DNA position 56, C replaced by T.
Protein change: p.Ala19Val; replaces alanine 19 with valine.
Molecular consequence: missense variant.
Genome position (GRCh38, 1-based): chr8:1,771,110, C>T. VCF-style: chr8-1771110-C-T. GRCh37 (hg19) VCF-style: chr8-1719276-C-T.
Other names: c.56C>T (NM_018941.3); short protein forms A19V.
Identifiers: ClinVar variation 1357044 (VCV001357044.4), dbSNP rs942360618, ClinGen allele CA170445602.